The following is an entry in ClinVar:

ClinVar aggregate classification (germline): Uncertain significance. Review status: criteria provided, multiple submitters, no conflicts (2 of 4 stars). 2 submissions from 2 submitters: Uncertain significance (2). Last evaluated 2025-06-17.

Conditions:
Arrhythmogenic right ventricular cardiomyopathy (ARVD). Also called: Arrhythmogenic right ventricular dysplasia; Cardiomyopathy, ARVC; Arrhythmogenic cardiomyopathy; Arrhythmogenic Right Ventricular Cardiomyopathy (ARVC). Identifiers: Orphanet 247, MedGen C0349788, MeSH D019571, MONDO:0016587. Disease mechanism: loss of function. Inheritance: Various modes of inheritance.

Submissions (2):

GeneDx
Classification: Uncertain significance. Last evaluated: 2025-06-17. Review status: criteria provided, single submitter. Criteria: GeneDx Variant Classification Process June 2021. Collection method: clinical testing. Allele origin: germline. Affected: yes.
Comment: Not observed at significant frequency in large population cohorts (gnomAD); In silico analysis supports that this missense variant has a deleterious effect on protein structure/function; Has not been previously published as pathogenic or benign to our knowledge

All of Us Research Program, National Institutes of Health
Classification: Uncertain significance for Arrhythmogenic right ventricular cardiomyopathy. Last evaluated: 2023-12-13. Review status: criteria provided, single submitter. Criteria: ACMG Guidelines, 2015. Collection method: clinical testing. Allele origin: germline. Inheritance: Autosomal dominant inheritance. Observed: 1 variant allele, 1 heterozygote.
Comment: This missense variant replaces glycine with arginine at codon 592 of the PKP2 protein. Computational prediction is inconclusive regarding the impact of this variant on protein structure and function (internally defined REVEL score threshold 0.5 < inconclusive < 0.7, PMID: 27666373). To our knowledge, functional studies have not been reported for this variant. This variant has not been reported in individuals affected with PKP2-related disorders in the literature. This variant has not been identified in the general population by the Genome Aggregation Database (gnomAD). The available evidence is insufficient to determine the role of this variant in disease conclusively. Therefore, this variant is classified as a Variant of Uncertain Significance.

This study involves interpretation of variants in research participants for the purpose of population health screening. Participant phenotype was not available at the time of variant classification. Additional details can be found in publication PMID: 35346344, PMCID: PMC8962531

NM_001005242.3(PKP2):c.1642G>A (p.Gly548Arg)

Gene: PKP2 (plakophilin 2; minus strand). Cytogenetic location: 12p11.21.
Variant type: single nucleotide variant.
Coding change: c.1642G>A on transcript NM_001005242.3 (MANE Select); coding-DNA position 1642, G replaced by A.
Protein change: p.Gly548Arg; replaces glycine 548 with arginine.
Molecular consequence: missense variant.
Genome position (GRCh38, 1-based): chr12:32,824,077, C>T on the plus strand (G>A on the coding strand, the complement: PKP2 is on the minus strand). VCF-style: chr12-32824077-C-T. GRCh37 (hg19) VCF-style: chr12-32977011-C-T.
Other names: c.1315G>A, p.Gly439Arg (NM_001407159.1, NM_001407160.1, NM_001407162.1 and 1 more transcripts); c.1642G>A, p.Gly548Arg (NM_001407161.1, NM_001407155.1, NM_001407156.1); c.1774G>A, p.Gly592Arg (NM_004572.4, NM_001407157.1); short protein forms G439R, G548R, G592R.
Identifiers: ClinVar variation 3074855 (VCV003074855.2), dbSNP rs2541234583, ClinGen allele CA384364652.
Genomic context (GRCh38, chr12:32,824,077, plus strand): 5'-AAAACAGGATATTTATCTCTTGAATTACCTTGTCATCTGGCTGGTAATCTGCAATGGTTC[C>T]TCTGACATAATGGACCAGTGAGTCAATGAGTCCGTCACATCTTCTCATCGCTTTTCTCCC-3'
Protein context (NP_001005242.2, residues 538-558): LIDSLVHYVR[Gly548Arg]TIADYQPDDK